The following is an entry in ClinVar:

ClinVar aggregate classification (germline): Pathogenic (1 of 4 stars; one submission).

Conditions:
Childhood onset GLUT1 deficiency syndrome 2. Also called: Paroxysmal exercise-induced dystonia; PAROXYSMAL EXERCISE-INDUCED DYSKINESIA WITH OR WITHOUT EPILEPSY AND/OR HEMOLYTIC ANEMIA; PAROXYSMAL EXERTION-INDUCED DYSTONIA WITH OR WITHOUT EPILEPSY AND/OR HEMOLYTIC ANEMIA; PED WITH OR WITHOUT EPILEPSY AND/OR HEMOLYTIC ANEMIA; Exertion-induced paroxysmal dyskinesia; GLUT1 deficiency syndrome 2. Identifiers: Orphanet 98811, MedGen C1842534, MONDO:0012805, OMIM 612126.

Submission:

Johns Hopkins Genomics, Johns Hopkins University
Classification: Pathogenic for Childhood onset GLUT1 deficiency syndrome 2. Last evaluated: 2020-08-27. Review status: criteria provided, single submitter. Criteria: ACMG Guidelines, 2015. Collection method: clinical testing. Allele origin: germline.
Comment: This SLC2A1 variant is absent in a large population dataset and has not been reported in ClinVar nor the literature to our knowledge. This frameshift variant results in a premature stop codon, likely leading to nonsense-mediated decay and lack of protein production. We consider c.293delT to be pathogenic.

Literature cited by the submitters: PubMed 10980529; PubMed 31605543; PubMed 9462754.

NM_006516.4(SLC2A1):c.293del (p.Met98fs)

Gene: SLC2A1 (solute carrier family 2 member 1; minus strand). Cytogenetic location: 1p34.2.
Variant type: Deletion.
Coding change: c.293del on transcript NM_006516.4 (MANE Select); coding-DNA position 293, one base deleted (T; older notation c.293delT).
Protein change: p.Met98fs; shifts the reading frame from methionine 98.
Molecular consequence: frameshift variant.
Genome position (GRCh38, 1-based): chr1:42,930,849, A deleted on the plus strand (T on the coding strand, the reverse complement: SLC2A1 is on the minus strand). VCF-style (leftmost placement, unchanged base first): chr1-42930848-CA-C. GRCh37 (hg19) VCF-style: chr1-43396519-CA-C.
Other names: c.293delT (NM_006516.4); short protein forms M98fs.
Identifiers: ClinVar variation 977496 (VCV000977496.1), dbSNP rs1643481831, ClinGen allele CA1139656062.
Genomic context (GRCh38, chr1:42,930,848, plus strand): 5'-GGACTTGCCCAGTTTCGAGAAGCCCATGAGCACGGCGGACACGAAGGCCAGCAGGTTCAT[CA>C]TCAGCATTGAATTCCGCCTGGGGACGGGGTCACAGGTCAGGCCAGTGCCCACATTCCTTG-3'